The following is an entry in ClinVar:

NM_005045.4(RELN):c.4748-11T>C

Gene: RELN (reelin; minus strand). Cytogenetic location: 7q22.1.
Variant type: single nucleotide variant.
Coding change: c.4748-11T>C on transcript NM_005045.4 (MANE Select); 11 bases into the intron before coding-DNA position 4748, T replaced by C.
Molecular consequence: intron variant.
Genome position (GRCh38, 1-based): chr7:103,566,423, A>G on the plus strand (T>C on the coding strand, the complement: RELN is on the minus strand). VCF-style: chr7-103566423-A-G. GRCh37 (hg19) VCF-style: chr7-103206870-A-G.
Other names: c.4748-11T>C (NM_173054.3, NM_173054.2).
Identifiers: ClinVar variation 358400 (VCV000358400.21), dbSNP rs201494847, ClinGen allele CA4421408.
Genomic context (GRCh38, chr7:103,566,423, plus strand): 5'-ATTCATTCCTATAAGAACATCATCCAAAGCCCACTGGGCTGAATGCTTCCCTGCAATCAG[A>G]TGAATAAAGGTGGTTAGAGAAGTTTTGTTACATAGCAATATGAATATCTTCATGACTGTG-3'

ClinVar aggregate classification (germline): Benign/Likely benign. Review status: criteria provided, multiple submitters, no conflicts (2 of 4 stars). 10 submissions from 10 submitters: Benign (4); Likely benign (2). 4 of the submissions do not count toward it. Last evaluated 2026-02-02.

Conditions:
Norman-Roberts syndrome (LIS2). Also called: Lissencephaly 2 (Norman-Roberts type). Identifiers: Orphanet 89844, MedGen C0796089, MONDO:0009760, OMIM 257320.
RELN-related disorder. Also called: RELN-related condition.
Epilepsy, familial temporal lobe, 1. Identifiers: Orphanet 101046, MedGen CN030884, MONDO:0700090, OMIM 600512.
Familial temporal lobe epilepsy 7. Identifiers: Orphanet 101046, MedGen C4225327, MONDO:0014639, OMIM 616436.

Allele frequency attached by ClinVar (database versions not stated): gnomAD 0.00098 and 0.00155; TOPMed 0.00122; ESP Exome Variant Server 0.00146; gnomAD exomes 0.00276 and 0.00396; 1000 Genomes Project 30x 0.00297; 1000 Genomes Project 0.00300; ExAC 0.00422.
gnomAD v4.1: 4,283 of 1,613,334 alleles (0.27%); highest among the groups gnomAD compares: South Asian, 2.2%; 46 homozygotes.

Submissions (10):

Labcorp Genetics (formerly Invitae), Labcorp
Classification: Benign for Familial temporal lobe epilepsy 7; Norman-Roberts syndrome. Last evaluated: 2026-02-02. Review status: criteria provided, single submitter. Criteria: Invitae Variant Classification Sherloc (09022015). Collection method: clinical testing. Allele origin: germline.

Genomic Medicine Center of Excellence, King Faisal Specialist Hospital and Research Centre
Classification: Likely benign. Last evaluated: 2025-08-18. Review status: criteria provided, single submitter. Criteria: ACMG Guidelines, 2015. Collection method: clinical testing. Allele origin: germline.

Fulgent Genetics
Classification: Likely benign for Norman-Roberts syndrome; Epilepsy, familial temporal lobe, 1; Familial temporal lobe epilepsy 7. Last evaluated: 2022-03-10. Review status: criteria provided, single submitter. Criteria: ACMG Guidelines, 2015. Collection method: clinical testing. Allele origin: unknown.

Illumina Laboratory Services, Illumina
Classification: Benign for Norman-Roberts syndrome. Last evaluated: 2018-01-13. Review status: criteria provided, single submitter. Criteria: ICSL Variant Classification Criteria 13 December 2019. Collection method: clinical testing. Allele origin: germline.
Comment: This variant was observed in the ICSL laboratory as part of a predisposition screen in an ostensibly healthy population. It had not been previously curated by ICSL or reported in the Human Gene Mutation Database (HGMD: prior to June 1st, 2018), and was therefore a candidate for classification through an automated scoring system. Utilizing variant allele frequency, disease prevalence and penetrance estimates, and inheritance mode, an automated score was calculated to assess if this variant is too frequent to cause the disease. Based on the score and internal cut-off values, a variant classified as benign is not then subjected to further curation. The score for this variant resulted in a classification of benign for this disease.

GeneDx
Classification: Benign. Last evaluated: 2015-03-03. Review status: criteria provided, single submitter. Criteria: GeneDx Variant Classification Process June 2021. Collection method: clinical testing. Allele origin: germline. Affected: yes.

Breakthrough Genomics
Classification: Benign. Review status: criteria provided, single submitter. Criteria: ACMG Guidelines, 2015. Collection method: not provided. Allele origin: germline. Inheritance: Autosomal recessive inheritance. Affected: yes.

PreventionGenetics, part of Exact Sciences
Classification: Benign for RELN-related condition. Last evaluated: 2019-03-19. Review status: no assertion criteria provided. Collection method: clinical testing. Allele origin: germline. Not counted in ClinVar's aggregate classification.
Comment: This variant is classified as benign based on ACMG/AMP sequence variant interpretation guidelines (Richards et al. 2015 PMID: 25741868, with internal and published modifications).

Clinical Genetics DNA and cytogenetics Diagnostics Lab, Erasmus MC, Erasmus Medical Center
Classification: Benign. Review status: no assertion criteria provided. Collection method: clinical testing. Allele origin: germline. Affected: yes. Study: VKGL Data-share Consensus. Not counted in ClinVar's aggregate classification.

Clinical Genetics, Academic Medical Center
Classification: Likely benign. Review status: no assertion criteria provided. Collection method: clinical testing. Allele origin: germline. Affected: yes. Study: VKGL Data-share Consensus. Not counted in ClinVar's aggregate classification.

Genome Diagnostics Laboratory, University Medical Center Utrecht
Classification: Likely benign. Review status: no assertion criteria provided. Collection method: clinical testing. Allele origin: germline. Affected: yes. Study: VKGL Data-share Consensus. Not counted in ClinVar's aggregate classification.